The following is an entry in ClinVar:

NM_001032283.3(TMPO):c.392C>G (p.Pro131Arg)

Gene: TMPO (thymopoietin; plus strand). Cytogenetic location: 12q23.1.
Variant type: single nucleotide variant.
Coding change: c.392C>G on transcript NM_001032283.3 (MANE Select); coding-DNA position 392, C replaced by G.
Protein change: p.Pro131Arg; replaces proline 131 with arginine.
Molecular consequence: missense variant.
Genome position (GRCh38, 1-based): chr12:98,527,998, C>G. VCF-style: chr12-98527998-C-G. GRCh37 (hg19) VCF-style: chr12-98921776-C-G.
Other names: c.392C>G, p.Pro131Arg (NM_001032284.3, NM_001307975.2, NM_003276.2); short protein forms P131R.
Identifiers: ClinVar variation 1064011 (VCV001064011.13), dbSNP rs1001615865, ClinGen allele CA242221346.

ClinVar aggregate classification (germline): Uncertain significance. Review status: criteria provided, multiple submitters, no conflicts (2 of 4 stars). 2 submissions from 2 submitters: Uncertain significance (2). Last evaluated 2025-08-25.

Conditions:
Loeys-Dietz syndrome 2 (LDS2). Also called: TGFBR2-Related Loeys-Dietz Syndrome; Marfan Syndrome type 2; Marfan like connective tissue disorder; MFS 2; Marfan syndrome, type 2 (formerly); AORTIC ANEURYSM, FAMILIAL THORACIC 3. Identifiers: Orphanet 284973, Orphanet 558, MedGen C2674574, MONDO:0012427, OMIM 610168.

Allele frequency attached by ClinVar (database versions not stated): gnomAD 0.00001; gnomAD exomes 0.00001; TOPMed 0.00002.
gnomAD v4.1: 13 of 1,613,758 alleles (0.00081%); highest among the groups gnomAD compares: African/African-American, 0.004%; no homozygotes.

Submissions (2):

Ambry Genetics
Classification: Uncertain significance. Last evaluated: 2025-08-25. Review status: criteria provided, single submitter. Criteria: Ambry Variant Classification Scheme 2023. Collection method: clinical testing. Allele origin: germline.

Labcorp Genetics (formerly Invitae), Labcorp
Classification: Uncertain significance for Loeys-Dietz syndrome 2. Last evaluated: 2025-05-05. Review status: criteria provided, single submitter. Criteria: Invitae Variant Classification Sherloc (09022015). Collection method: clinical testing. Allele origin: germline.
Comment: This sequence change replaces proline, which is neutral and non-polar, with arginine, which is basic and polar, at codon 131 of the TMPO protein (p.Pro131Arg). This variant is present in population databases (no rsID available, gnomAD 0.004%). This variant has not been reported in the literature in individuals affected with TMPO-related conditions. ClinVar contains an entry for this variant (Variation ID: 1064011). An algorithm developed to predict the effect of missense changes on protein structure and function (PolyPhen-2) suggests that this variant is likely to be disruptive. In summary, the available evidence is currently insufficient to determine the role of this variant in disease. Therefore, it has been classified as a Variant of Uncertain Significance.